The following is an entry in ClinVar:

NM_139276.3(STAT3):c.919dup (p.Glu307fs)

Gene: STAT3 (signal transducer and activator of transcription 3; minus strand). Cytogenetic location: 17q21.2.
Variant type: Duplication.
Coding change: c.919dup on transcript NM_139276.3 (MANE Select); coding-DNA position 919, one base duplicated (G; older notation c.919dupG).
Protein change: p.Glu307fs; shifts the reading frame from glutamic acid 307.
Molecular consequence: frameshift variant.
Genome position (GRCh38, 1-based): chr17:42,333,928, C duplicated on the plus strand (G on the coding strand, the reverse complement: STAT3 is on the minus strand); the first of 2 consecutive C bases (chr17:42,333,928-42,333,929); duplicating either gives the same sequence. VCF-style (leftmost placement, unchanged base first): chr17-42333927-T-TC. GRCh37 (hg19) VCF-style: chr17-40485945-T-TC.
Other names: c.919dup, p.Glu307fs (NM_001369512.1, NM_001369513.1, NM_001369514.1 and 15 more transcripts); c.841dup, p.Glu281fs (NM_001384985.1); c.823dup, p.Glu275fs (NM_001384989.1); c.919dup (NM_139276.2); short protein forms E275fs, E281fs, E307fs.
Identifiers: ClinVar variation 2504452 (VCV002504452.2), dbSNP rs2509394487, ClinGen allele CA2580613135.

ClinVar aggregate classification (germline): Likely pathogenic (1 of 4 stars; one submission).

Submission:

GeneDx
Classification: Likely pathogenic. Last evaluated: 2024-04-04. Review status: criteria provided, single submitter. Criteria: GeneDx Variant Classification Process June 2021. Collection method: clinical testing. Allele origin: germline. Affected: yes.
Comment: Not observed at significant frequency in large population cohorts (gnomAD); Has not been previously published as pathogenic or benign to our knowledge; Frameshift variant predicted to result in protein truncation, as other truncating variants with a dominant negative effect have been reported downstream in the published literature (Asano et al., 2021); This variant is associated with the following publications: (PMID: 34137790)